The following is an entry in ClinVar:

ClinVar aggregate classification (germline): Uncertain significance. Review status: criteria provided, multiple submitters, no conflicts (2 of 4 stars). 3 submissions from 3 submitters: Uncertain significance (3). Last evaluated 2025-05-28.

Conditions:
Ataxia-telangiectasia syndrome (AT). Also called: Ataxia-telangiectasia, complementation group D; AT, COMPLEMENTATION GROUP C; ATAXIA-TELANGIECTASIA, COMPLEMENTATION GROUP A; ATAXIA-TELANGIECTASIA, FRESNO VARIANT; Ataxia-telangiectasia; LOUIS-BAR SYNDROME. Identifiers: Orphanet 100, MedGen C0004135, MONDO:0008840, OMIM 208900.
Hereditary cancer-predisposing syndrome. Also called: Tumor predisposition; Hereditary neoplastic syndrome; Neoplastic Syndromes, Hereditary; Hereditary Cancer Syndrome. Identifiers: Orphanet 140162, MedGen C0027672, MeSH D009386, MONDO:0015356.

Allele frequency attached by ClinVar (database versions not stated): TOPMed 0.00001.
gnomAD v4.1: 3 of 1,613,924 alleles (0.00019%); highest among the groups gnomAD compares: Non-Finnish European, 0.00025%; no homozygotes.

Submissions (3):

Labcorp Genetics (formerly Invitae), Labcorp
Classification: Uncertain significance for Ataxia-telangiectasia syndrome. Last evaluated: 2025-05-28. Review status: criteria provided, single submitter. Criteria: Invitae Variant Classification Sherloc (09022015). Collection method: clinical testing. Allele origin: germline.
Comment: This sequence change replaces arginine, which is basic and polar, with serine, which is neutral and polar, at codon 2060 of the ATM protein (p.Arg2060Ser). This variant is not present in population databases (gnomAD no frequency). This variant has not been reported in the literature in individuals affected with ATM-related conditions. ClinVar contains an entry for this variant (Variation ID: 631089). Invitae Evidence Modeling of protein sequence and biophysical properties (such as structural, functional, and spatial information, amino acid conservation, physicochemical variation, residue mobility, and thermodynamic stability) indicates that this missense variant is not expected to disrupt ATM protein function with a negative predictive value of 95%. In summary, the available evidence is currently insufficient to determine the role of this variant in disease. Therefore, it has been classified as a Variant of Uncertain Significance.

Ambry Genetics
Classification: Uncertain significance for Hereditary cancer-predisposing syndrome. Last evaluated: 2023-01-31. Review status: criteria provided, single submitter. Criteria: Ambry Variant Classification Scheme 2023. Collection method: clinical testing. Allele origin: germline.
Comment: The p.R2060S variant (also known as c.6178C>A), located in coding exon 41 of the ATM gene, results from a C to A substitution at nucleotide position 6178. The arginine at codon 2060 is replaced by serine, an amino acid with dissimilar properties. This amino acid position is highly conserved in available vertebrate species. In addition, the in silico prediction for this alteration is inconclusive. Since supporting evidence is limited at this time, the clinical significance of this alteration remains unclear.

Color Diagnostics, LLC DBA Color Health
Classification: Uncertain significance for Hereditary cancer-predisposing syndrome. Last evaluated: 2018-12-21. Review status: criteria provided, single submitter. Criteria: ACMG Guidelines, 2015. Collection method: clinical testing. Allele origin: germline.

NM_000051.4(ATM):c.6178C>A (p.Arg2060Ser)

Genes: ATM (ATM serine/threonine kinase; plus strand), C11orf65 (chromosome 11 open reading frame 65; minus strand). Cytogenetic location: 11q22.3.
Variant type: single nucleotide variant.
Coding change: c.6178C>A on transcript NM_000051.4 (MANE Select); coding-DNA position 6178, C replaced by A.
Protein change: p.Arg2060Ser; replaces arginine 2060 with serine.
Molecular consequence: missense variant. On other transcripts: intron variant (2).
Genome position (GRCh38, 1-based): chr11:108,316,093, C>A. VCF-style: chr11-108316093-C-A. GRCh37 (hg19) VCF-style: chr11-108186820-C-A.
Other names: c.6178C>A, p.Arg2060Ser (NM_001351834.2); c.641-7022G>T (NM_001330368.2); c.*39-7022G>T (NM_001351110.2); short protein forms R2060S.
Identifiers: ClinVar variation 631089 (VCV000631089.14), dbSNP rs587778078, ClinGen allele CA382550711.
Genomic context (GRCh38, chr11:108,316,093, plus strand): 5'-GCAATGTGGGGCAAAGCCCTAGTAACATATGACCTCGAAACAGCAATCCCCTCATCAACA[C>A]GCCAGGCAGGAATCATTCAGGTACATTTTTTCCCAGATTTGGTAAAGCCATCACTAGTGT-3'
Protein context (NP_000042.3, residues 2050-2070): DLETAIPSST[Arg2060Ser]QAGIIQALQN